The following is an entry in ClinVar:

NM_001267550.2(TTN):c.99135G>A (p.Trp33045Ter)

Genes: TTN-AS1 (TTN antisense RNA 1; plus strand), TTN (titin; minus strand). Cytogenetic location: 2q31.2.
Variant type: single nucleotide variant.
Coding change: c.99135G>A on transcript NM_001267550.2 (MANE Select); coding-DNA position 99135, G replaced by A.
Protein change: p.Trp33045Ter; replaces tryptophan 33045 with a stop codon.
Molecular consequence: nonsense.
Genome position (GRCh38, 1-based): chr2:178,538,694, C>T on the plus strand (G>A on the coding strand, the complement: TTN is on the minus strand). VCF-style: chr2-178538694-C-T. GRCh37 (hg19) VCF-style: chr2-179403421-C-T.
Other names: c.94212G>A, p.Trp31404Ter (NM_001256850.1); c.71940G>A, p.Trp23980Ter (NM_003319.4); c.91431G>A, p.Trp30477Ter (NM_133378.4); c.72315G>A, p.Trp24105Ter (NM_133432.3); c.72516G>A, p.Trp24172Ter (NM_133437.4); short protein forms W23980*, W24105*, W24172*, W30477*, W31404*, W33045*.
Identifiers: ClinVar variation 1700137 (VCV001700137.3), dbSNP rs2154139293, ClinGen allele CA349430881.

ClinVar aggregate classification (germline): Likely pathogenic. Review status: criteria provided, multiple submitters, no conflicts (2 of 4 stars). 2 submissions from 2 submitters: Likely pathogenic (2). Last evaluated 2024-08-28.

Conditions:
Dilated cardiomyopathy 1G (CMD1G). Identifiers: Orphanet 154, MedGen C1858763, MONDO:0011400, OMIM 604145.
Autosomal recessive limb-girdle muscular dystrophy type 2J (LGMDR10). Also called: Limb-girdle muscular dystrophy, type 2J; MUSCULAR DYSTROPHY, LIMB-GIRDLE, AUTOSOMAL RECESSIVE 10. Identifiers: Orphanet 140922, MedGen C1837342, MONDO:0012127, OMIM 608807.
Neurodevelopmental delay. Identifiers: MedGen C4022738, HP:0012758.

Submissions (2):

Labcorp Genetics (formerly Invitae), Labcorp
Classification: Likely pathogenic for Dilated cardiomyopathy 1G; Autosomal recessive limb-girdle muscular dystrophy type 2J. Last evaluated: 2024-08-28. Review status: criteria provided, single submitter. Criteria: Invitae Variant Classification Sherloc (09022015). Collection method: clinical testing. Allele origin: germline.
Comment: This sequence change creates a premature translational stop signal (p.Trp33045*) in the TTN gene. While this is not anticipated to result in nonsense mediated decay, it is expected to create a truncated TTN protein. This variant is not present in population databases (gnomAD no frequency). This variant has not been reported in the literature in individuals affected with TTN-related conditions. ClinVar contains an entry for this variant (Variation ID: 1700137). This variant is located in the A band of TTN (PMID: 25589632). Truncating variants in this region are significantly overrepresented in patients affected with dilated cardiomyopathy (PMID: 25589632). Truncating variants in this region have also been reported in individuals affected with autosomal recessive centronuclear myopathy (PMID: 23975875). In summary, the currently available evidence indicates that the variant is pathogenic, but additional data are needed to prove that conclusively. Therefore, this variant has been classified as Likely Pathogenic.

Centre de Biologie Pathologie Génétique, Centre Hospitalier Universitaire de Lille
Classification: Likely pathogenic for Neurodevelopmental delay. Review status: criteria provided, single submitter. Criteria: ACMG Guidelines, 2015. Collection method: clinical testing. Allele origin: de novo. Affected: yes.

Literature cited by the submitters: PubMed 25589632 (cited by Labcorp Genetics (formerly Invitae), Labcorp); PubMed 23975875 (cited by Labcorp Genetics (formerly Invitae), Labcorp).